The following is an entry in ClinVar:

ClinVar aggregate classification (germline): Uncertain significance (1 of 4 stars; one submission).

Conditions:
Inborn genetic diseases. Identifiers: MedGen C0950123, MeSH D030342.

gnomAD v4.1: 2 of 1,613,328 alleles (0.00012%); highest among the groups gnomAD compares: Middle Eastern, 0.017%; no homozygotes.

Submission:

Ambry Genetics
Classification: Uncertain significance for Inborn genetic diseases. Last evaluated: 2025-01-06. Review status: criteria provided, single submitter. Criteria: Ambry Variant Classification Scheme 2023. Collection method: clinical testing. Allele origin: germline.
Comment: The p.L510F variant (also known as c.1528C>T), located in coding exon 12 of the BUB1B gene, results from a C to T substitution at nucleotide position 1528. The leucine at codon 510 is replaced by phenylalanine, an amino acid with highly similar properties. This amino acid position is conserved. In addition, this alteration is predicted to be tolerated by in silico analysis. Based on the available evidence, the clinical significance of this variant remains unclear.

NM_001211.6(BUB1B):c.1528C>T (p.Leu510Phe)

Gene: BUB1B (BUB1 mitotic checkpoint serine/threonine kinase B; plus strand). Cytogenetic location: 15q15.1.
Variant type: single nucleotide variant.
Coding change: c.1528C>T on transcript NM_001211.6 (MANE Select); coding-DNA position 1528, C replaced by T.
Protein change: p.Leu510Phe; replaces leucine 510 with phenylalanine.
Molecular consequence: missense variant.
Genome position (GRCh38, 1-based): chr15:40,200,941, C>T. VCF-style: chr15-40200941-C-T. GRCh37 (hg19) VCF-style: chr15-40493142-C-T.
Other names: short protein forms L510F.
Identifiers: ClinVar variation 3826086 (VCV003826086.1).